The following is an entry in ClinVar:

ClinVar aggregate classification (germline): Uncertain significance (1 of 4 stars; one submission).

Submission:

GeneDx
Classification: Uncertain significance. Last evaluated: 2025-06-26. Review status: criteria provided, single submitter. Criteria: GeneDx Variant Classification Process June 2021. Collection method: clinical testing. Allele origin: germline. Affected: yes.
Comment: Not observed at significant frequency in large population cohorts (gnomAD); In silico analysis supports that this missense variant has a deleterious effect on protein structure/function; Has not been previously published as pathogenic or benign to our knowledge

NM_024408.4(NOTCH2):c.1982A>T (p.Asp661Val)

Gene: NOTCH2 (notch receptor 2; minus strand). Cytogenetic location: 1p12.
Variant type: single nucleotide variant.
Coding change: c.1982A>T on transcript NM_024408.4 (MANE Select); coding-DNA position 1982, A replaced by T.
Protein change: p.Asp661Val; replaces aspartic acid 661 with valine.
Molecular consequence: missense variant.
Genome position (GRCh38, 1-based): chr1:119,959,436, T>A on the plus strand (A>T on the coding strand, the complement: NOTCH2 is on the minus strand). VCF-style: chr1-119959436-T-A. GRCh37 (hg19) VCF-style: chr1-120502059-T-A.
Other names: c.1982A>T, p.Asp661Val (NM_001200001.2); short protein forms D661V.
Identifiers: ClinVar variation 4539846 (VCV004539846.1).
Genomic context (GRCh38, chr1:119,959,436, plus strand): 5'-GTAAAAGGAGCTTTACCTGTGAATCCTGGTGAGCAGACACAACTGTAGCGATTAATGCCA[T>A]CCATACAGATTCCATGGATACAAGGGTTACTTGCACAGTCATCAAAATTAATTTCACAAT-3'
Protein context (NP_077719.2, residues 651-671): SNPCIHGICM[Asp661Val]GINRYSCVCS